The following is an entry in ClinVar:

NM_024675.4(PALB2):c.*6_*13delinsAATTTGTATACCACTATTCA

Gene: PALB2 (partner and localizer of BRCA2; minus strand). Cytogenetic location: 16p12.2.
Variant type: Indel.
Coding change: c.*6_*13delinsAATTTGTATACCACTATTCA on transcript NM_024675.4 (MANE Select); 6 bases downstream of the stop codon through 13 bases downstream of the stop codon, GGTAAAGT replaced by AATTTGTATACCACTATTCA.
Molecular consequence: 3 prime UTR variant.
Genome position (GRCh38, 1-based): chr16:23,603,446-23,603,453, ACTTTACC replaced by TGAATAGTGGTATACAAATT on the plus strand (GGTAAAGT replaced by AATTTGTATACCACTATTCA on the coding strand, the reverse complement: PALB2 is on the minus strand). VCF-style: chr16-23603446-ACTTTACC-TGAATAGTGGTATACAAATT. GRCh37 (hg19) VCF-style: chr16-23614767-ACTTTACC-TGAATAGTGGTATACAAATT.
Other names: c.*6_*13delGGTAAAGTinsAATTTGTATACCACTATTCA (NM_024675.3).
Identifiers: ClinVar variation 630079 (VCV000630079.3), dbSNP rs1567204889, ClinGen allele CA913190536.

ClinVar aggregate classification (germline): Benign/Likely benign. Review status: criteria provided, multiple submitters, no conflicts (2 of 4 stars). 2 submissions from 2 submitters: Benign (1); Likely benign (1). Last evaluated 2025-01-22.

Conditions:
Hereditary cancer-predisposing syndrome. Also called: Neoplastic Syndromes, Hereditary; Tumor predisposition; Hereditary neoplastic syndrome; Hereditary Cancer Syndrome. Identifiers: Orphanet 140162, MedGen C0027672, MeSH D009386, MONDO:0015356.
Familial cancer of breast. Also called: BREAST CANCER, FAMILIAL; Hereditary breast cancer; hereditary breast carcinoma. Identifiers: Orphanet 227535, MedGen C0346153, MONDO:0016419, OMIM 114480. Disease mechanism: loss of function.

Submissions (2):

Myriad Genetics, Inc.
Classification: Benign for Familial cancer of breast. Last evaluated: 2025-01-22. Review status: criteria provided, single submitter. Criteria: Myriad Autosomal Dominant, Autosomal Recessive and X-Linked Classification Criteria (2023). Collection method: clinical testing. Allele origin: unknown.
Comment: This variant is considered benign. This variant occurs in the non-coding 3' untranslated region of the gene, and is not expected to impact protein function.

Color Diagnostics, LLC DBA Color Health
Classification: Likely benign for Hereditary cancer-predisposing syndrome. Last evaluated: 2017-01-17. Review status: criteria provided, single submitter. Criteria: ACMG Guidelines, 2015. Collection method: clinical testing. Allele origin: germline.